The following is an entry in ClinVar:

NM_021930.6(RINT1):c.40C>G (p.Pro14Ala)

Gene: RINT1 (RAD50 interactor 1; plus strand). Cytogenetic location: 7q22.3.
Variant type: single nucleotide variant.
Coding change: c.40C>G on transcript NM_021930.6 (MANE Select); coding-DNA position 40, C replaced by G.
Protein change: p.Pro14Ala; replaces proline 14 with alanine.
Molecular consequence: missense variant. On other transcripts: 5 prime UTR variant (4), non-coding transcript variant (1).
Genome position (GRCh38, 1-based): chr7:105,532,355, C>G. VCF-style: chr7-105532355-C-G. GRCh37 (hg19) VCF-style: chr7-105172802-C-G.
Other names: c.-58C>G (NM_001346599.2); c.-980C>G (NM_001346600.2); c.-883C>G (NM_001346601.2); c.-503C>G (NM_001346603.2); short protein forms P14A.
Identifiers: ClinVar variation 5028258 (VCV005028258.1).
Genomic context (GRCh38, chr7:105,532,355, plus strand): 5'-GAGGACTCGCGCGGAGGCGAGATGCTACCAGCCGGCGAGATCGGCGCCTCTCCTGCAGCC[C>G]CGGTGAGACGGCCCTGGCGTCCCTGGGAGGGGACATTGGTGGCCCATTGAGGTGGCACAG-3'
Protein context (NP_068749.3, residues 4-24): AGEIGASPAA[Pro14Ala]CCSESGDERK

ClinVar aggregate classification (germline): Uncertain significance (1 of 4 stars; one submission).

Submission:

Ambry Genetics
Classification: Uncertain significance. Last evaluated: 2026-06-16. Review status: criteria provided, single submitter. Criteria: Ambry Variant Classification Scheme 2023. Collection method: clinical testing. Allele origin: germline.
Comment: The p.P14A variant (also known as c.40C>G), located in coding exon 1 of the RINT1 gene, results from a C to G substitution at nucleotide position 40. The proline at codon 14 is replaced by alanine, an amino acid with highly similar properties. This amino acid position is conserved. In addition, this alteration is predicted to be tolerated by in silico analysis. Based on the available evidence, the clinical significance of this variant remains unclear.